The following is an entry in ClinVar:

ClinVar aggregate classification (germline): Uncertain significance (1 of 4 stars; one submission).

Conditions:
Inborn genetic diseases. Identifiers: MedGen C0950123, MeSH D030342.

gnomAD v4.1: 1 of 1,547,978 alleles (0.000065%); highest among the groups gnomAD compares: Non-Finnish European, 0.000089%; no homozygotes.

Submission:

Ambry Genetics
Classification: Uncertain significance for Inborn genetic diseases. Last evaluated: 2026-08-31. Review status: criteria provided, single submitter. Criteria: Ambry Variant Classification Scheme 2023. Collection method: clinical testing. Allele origin: germline.
Comment: The p.V543I variant (also known as c.1627G>A), located in coding exon 15 of the KDM1A gene, results from a G to A substitution at nucleotide position 1627. The valine at codon 543 is replaced by isoleucine, an amino acid with highly similar properties. This amino acid position is conserved. In addition, this alteration is predicted to be tolerated by in silico analysis. Based on the available evidence, the clinical significance of this variant remains unclear.

NM_001009999.3(KDM1A):c.1627G>A (p.Val543Ile)

Gene: KDM1A (lysine demethylase 1A; plus strand). Cytogenetic location: 1p36.12.
Variant type: single nucleotide variant.
Coding change: c.1627G>A on transcript NM_001009999.3 (MANE Select); coding-DNA position 1627, G replaced by A.
Protein change: p.Val543Ile; replaces valine 543 with isoleucine.
Molecular consequence: missense variant.
Genome position (GRCh38, 1-based): chr1:23,073,296, G>A. VCF-style: chr1-23073296-G-A. GRCh37 (hg19) VCF-style: chr1-23399789-G-A.
Other names: c.1573G>A, p.Val525Ile (NM_001363654.2); c.1633G>A, p.Val545Ile (NM_001410762.1); c.1555G>A, p.Val519Ile (NM_001410763.1, NM_015013.4); short protein forms V525I, V519I, V545I, V543I.
Identifiers: ClinVar variation 5023104 (VCV005023104.1).
Genomic context (GRCh38, chr1:23,073,296, plus strand): 5'-ACTGAGAGAACTAGTGATATCTTTTAATAATCCTGTAGTCCTTTGTTCTTTTGCAGTGAT[G>A]TATATCTCTCATCAAGAGACAGACAAATACTTGATTGGCATTTTGCAAATCTTGAATTTG-3'
Protein context (NP_001009999.1, residues 533-553): QELEANPPSD[Val543Ile]YLSSRDRQIL